The following is an entry in ClinVar:

NM_173582.6(PGM2L1):c.232del (p.Ala78fs)

Gene: PGM2L1 (phosphoglucomutase 2 like 1; minus strand). Cytogenetic location: 11q13.4.
Variant type: Deletion.
Coding change: c.232del on transcript NM_173582.6 (MANE Select); coding-DNA position 232, one base deleted (G; older notation c.232delG).
Protein change: p.Ala78fs; shifts the reading frame from alanine 78.
Molecular consequence: frameshift variant.
Genome position (GRCh38, 1-based): chr11:74,374,462, C deleted on the plus strand (G on the coding strand, the reverse complement: PGM2L1 is on the minus strand); the first of 5 consecutive C bases (chr11:74,374,462-74,374,466); deleting any one gives the same sequence. VCF-style (leftmost placement, unchanged base first): chr11-74374461-GC-G. GRCh37 (hg19) VCF-style: chr11-74085506-GC-G.
Other names: short protein forms A78fs.
Identifiers: ClinVar variation 4850146 (VCV004850146.1).
Genomic context (GRCh38, chr11:74,374,461, plus strand): 5'-TTTATAATACTTACCTGTGTTGACTGTATTACTGTAAGGTCATTAATATAGCAAAACCCT[GC>G]CCCCATGGCAGAACGAAGTCCTGCAGTCCCAAAAGTCATTCGGCAACAAAGACGATCTCG-3'

ClinVar aggregate classification (germline): Likely pathogenic (1 of 4 stars; one submission).

Conditions:
Neurodevelopmental disorder with hypotonia, dysmorphic facies, and skin abnormalities (NEDHFS). Identifiers: MedGen C5774285, MONDO:0859347, OMIM 620191.

Submission:

Variantyx, Inc.
Classification: Likely pathogenic for Neurodevelopmental disorder with hypotonia, dysmorphic facies, and skin abnormalities. Last evaluated: 2025-11-28. Review status: criteria provided, single submitter. Criteria: Variantyx Assertion Criteria 2022. Collection method: clinical testing. Allele origin: germline. Inheritance: Autosomal recessive inheritance. Affected: yes.
Comment: This is a frameshift variant in the PGM2L1 gene (OMIM: 611610). Pathogenic variants in this gene have been associated with autosomal recessive neurodevelopmental disorder with hypotonia, dysmorphic facies, and skin abnormalities. This variant introduces a premature termination codon in exon 2 out of 14 and is expected to result in loss of function, which is a known disease mechanism for PGM2L1 in this disorder (PVS1) (PMID:33979636). This variant is absent from control populations (PM2) and it has not been reported in individuals with PGM2L1-related disorders in the databases available for review. Based on the current evidence, this variant is classified as likely pathogenic for autosomal recessive neurodevelopmental disorder with hypotonia, dysmorphic facies, and skin abnormalities.

Literature cited by the submitters: PubMed 33979636.